The following is an entry in ClinVar:

NM_025114.4(CEP290):c.3915A>G (p.Lys1305=)

Gene: CEP290 (centrosomal protein 290; minus strand). Cytogenetic location: 12q21.32.
Variant type: single nucleotide variant.
Coding change: c.3915A>G on transcript NM_025114.4 (MANE Select); coding-DNA position 3915, A replaced by G.
Protein change: p.Lys1305=; no amino-acid change (lysine 1305 retained).
Molecular consequence: synonymous variant.
Genome position (GRCh38, 1-based): chr12:88,089,146, T>C on the plus strand (A>G on the coding strand, the complement: CEP290 is on the minus strand). VCF-style: chr12-88089146-T-C. GRCh37 (hg19) VCF-style: chr12-88482923-T-C.
Other names: c.3915A>G (NM_025114.3).
Identifiers: ClinVar variation 2926088 (VCV002926088.4), dbSNP rs2500101041, ClinGen allele CA481304067.
Genomic context (GRCh38, chr12:88,089,146, plus strand): 5'-TAATTTTAATTCCATCTCCAATGTTTTGTTCTCCATATTTCTATGTTCTTGTTGAGAATT[T>C]TTCATTTCTTGCATTATCTTAAGTTTGTCATTTTGTAGTTGAATCATTGTTTTGGAGAAC-3'
Protein context (NP_079390.3, residues 1295-1315): NDKLKIMQEM[Lys1305=]NSQQEHRNME

ClinVar aggregate classification (germline): Likely benign. Review status: criteria provided, single submitter (1 of 4 stars). 2 submissions from 2 submitters: Likely benign (1). 1 of the submissions does not count toward it. Last evaluated 2023-05-12.

Conditions:
Joubert syndrome. Also called: CEREBELLOPARENCHYMAL DISORDER IV; JOUBERT-BOLTSHAUSER SYNDROME; Familial aplasia of the vermis. Identifiers: Orphanet 475, MedGen C5979921, MONDO:0018772.
Nephronophthisis. Also called: Juvenile Nephronophthisis. Identifiers: Orphanet 655, MedGen C0687120, MONDO:0019005, HP:0000090.
Meckel-Gruber syndrome. Also called: DYSENCEPHALIA SPLANCHNOCYSTICA; GRUBER SYNDROME; Dysencephalia splachnocystica. Identifiers: Orphanet 564, MedGen C0265215, MONDO:0018921.
CEP290-related disorder. Also called: CEP290-related condition; CEP290-related disorders. Identifiers: MedGen CN239314.

Submissions (2):

Labcorp Genetics (formerly Invitae), Labcorp
Classification: Likely benign for Joubert syndrome; Meckel-Gruber syndrome; Nephronophthisis. Last evaluated: 2023-05-12. Review status: criteria provided, single submitter. Criteria: Invitae Variant Classification Sherloc (09022015). Collection method: clinical testing. Allele origin: germline.

PreventionGenetics, part of Exact Sciences
Classification: Likely benign for CEP290-related condition. Last evaluated: 2024-01-04. Review status: no assertion criteria provided. Collection method: clinical testing. Allele origin: germline. Not counted in ClinVar's aggregate classification.
Comment: This variant is classified as likely benign based on ACMG/AMP sequence variant interpretation guidelines (Richards et al. 2015 PMID: 25741868, with internal and published modifications).